The following is an entry in ClinVar:

ClinVar aggregate classification (germline): Uncertain significance. Review status: criteria provided, multiple submitters, no conflicts (2 of 4 stars). 2 submissions from 2 submitters: Uncertain significance (2). Last evaluated 2024-10-18.

Conditions:
Hereditary cancer-predisposing syndrome. Also called: Neoplastic Syndromes, Hereditary; Tumor predisposition; Hereditary Cancer Syndrome; Hereditary neoplastic syndrome. Identifiers: Orphanet 140162, MedGen C0027672, MeSH D009386, MONDO:0015356.
Familial cancer of breast. Also called: BREAST CANCER, FAMILIAL; Hereditary breast cancer; hereditary breast carcinoma. Identifiers: Orphanet 227535, MedGen C0346153, MONDO:0016419, OMIM 114480. Disease mechanism: loss of function.

Allele frequency attached by ClinVar (database versions not stated): gnomAD exomes below 0.00001; TOPMed below 0.00001.
gnomAD v4.1: 1 of 1,614,204 alleles (0.000062%); highest among the groups gnomAD compares: Non-Finnish European, 0.000085%; no homozygotes.

Submissions (2):

Labcorp Genetics (formerly Invitae), Labcorp
Classification: Uncertain significance for Familial cancer of breast. Last evaluated: 2024-10-18. Review status: criteria provided, single submitter. Criteria: Invitae Variant Classification Sherloc (09022015). Collection method: clinical testing. Allele origin: germline.
Comment: This sequence change replaces lysine, which is basic and polar, with arginine, which is basic and polar, at codon 695 of the PALB2 protein (p.Lys695Arg). This variant is not present in population databases (gnomAD no frequency). This variant has not been reported in the literature in individuals affected with PALB2-related conditions. ClinVar contains an entry for this variant (Variation ID: 1785608). Invitae Evidence Modeling of protein sequence and biophysical properties (such as structural, functional, and spatial information, amino acid conservation, physicochemical variation, residue mobility, and thermodynamic stability) indicates that this missense variant is not expected to disrupt PALB2 protein function with a negative predictive value of 80%. In summary, the available evidence is currently insufficient to determine the role of this variant in disease. Therefore, it has been classified as a Variant of Uncertain Significance.

Ambry Genetics
Classification: Uncertain significance for Hereditary cancer-predisposing syndrome. Last evaluated: 2023-10-12. Review status: criteria provided, single submitter. Criteria: Ambry Variant Classification Scheme 2023. Collection method: clinical testing. Allele origin: germline.
Comment: The p.K695R variant (also known as c.2084A>G), located in coding exon 5 of the PALB2 gene, results from an A to G substitution at nucleotide position 2084. The lysine at codon 695 is replaced by arginine, an amino acid with highly similar properties. This amino acid position is poorly conserved in available vertebrate species. In addition, this alteration is predicted to be tolerated by in silico analysis. Since supporting evidence is limited at this time, the clinical significance of this alteration remains unclear.

NM_024675.4(PALB2):c.2084A>G (p.Lys695Arg)

Gene: PALB2 (partner and localizer of BRCA2; minus strand). Cytogenetic location: 16p12.2.
Variant type: single nucleotide variant.
Coding change: c.2084A>G on transcript NM_024675.4 (MANE Select); coding-DNA position 2084, A replaced by G.
Protein change: p.Lys695Arg; replaces lysine 695 with arginine.
Molecular consequence: missense variant.
Genome position (GRCh38, 1-based): chr16:23,630,070, T>C on the plus strand (A>G on the coding strand, the complement: PALB2 is on the minus strand). VCF-style: chr16-23630070-T-C. GRCh37 (hg19) VCF-style: chr16-23641391-T-C.
Other names: c.2024A>G, p.Lys675Arg (NM_001407296.1); c.2084A>G, p.Lys695Arg (NM_001407297.1, NM_001407298.1, NM_001407299.1 and 3 more transcripts); c.1199A>G, p.Lys400Arg (NM_001407304.1, NM_001407305.1, NM_001407306.1 and 5 more transcripts); c.296A>G, p.Lys99Arg (NM_001407312.1, NM_001407313.1); short protein forms K675R, K400R, K99R, K695R.
Identifiers: ClinVar variation 1785608 (VCV001785608.5), dbSNP rs1406659804, ClinGen allele CA395125844.